The following is an entry in ClinVar:

ClinVar aggregate classification (germline): Uncertain significance (1 of 4 stars; one submission).

Conditions:
Inborn genetic diseases. Identifiers: MedGen C0950123, MeSH D030342.

Allele frequency attached by ClinVar (database versions not stated): ExAC 0.00001; gnomAD 0.00001; gnomAD exomes 0.00001; TOPMed 0.00001.
gnomAD v4.1: 10 of 1,613,168 alleles (0.00062%); highest among the groups gnomAD compares: Non-Finnish European, 0.00076%; no homozygotes.

Submission:

Ambry Genetics
Classification: Uncertain significance for Inborn genetic diseases. Last evaluated: 2023-09-26. Review status: criteria provided, single submitter. Criteria: Ambry Variant Classification Scheme 2023. Collection method: clinical testing. Allele origin: germline.
Comment: The c.2087T>C (p.V696A) alteration is located in exon 14 (coding exon 13) of the PUM1 gene. This alteration results from a T to C substitution at nucleotide position 2087, causing the valine (V) at amino acid position 696 to be replaced by an alanine (A). Based on data from gnomAD, the C allele has an overall frequency of 0.001% (2/250962) total alleles studied. The highest observed frequency was 0.002% (2/113430) of European (non-Finnish) alleles. This amino acid position is highly conserved in available vertebrate species. This alteration is predicted to be tolerated by in silico analysis. Based on insufficient or conflicting evidence, the clinical significance of this alteration remains unclear.

NM_001020658.2(PUM1):c.2087T>C (p.Val696Ala)

Gene: PUM1 (pumilio RNA binding family member 1; minus strand). Cytogenetic location: 1p35.2.
Variant type: single nucleotide variant.
Coding change: c.2087T>C on transcript NM_001020658.2 (MANE Select); coding-DNA position 2087, T replaced by C.
Protein change: p.Val696Ala; replaces valine 696 with alanine.
Molecular consequence: missense variant.
Genome position (GRCh38, 1-based): chr1:30,964,910, A>G on the plus strand (T>C on the coding strand, the complement: PUM1 is on the minus strand). VCF-style: chr1-30964910-A-G. GRCh37 (hg19) VCF-style: chr1-31437757-A-G.
Other names: c.2087T>C, p.Val696Ala (NM_014676.3); short protein forms V696A.
Identifiers: ClinVar variation 2347117 (VCV002347117.2), dbSNP rs749551152, ClinGen allele CA729020.
Genomic context (GRCh38, chr1:30,964,910, plus strand): 5'-AGGTCACTGCTGCCAGTCAGGGAGTCACGGCGGGAGCCACTGCCAGTGTTGGAGTTTGCA[A>G]CTAAAATGGAATTAAAACAATGCAGATAAGAACAGGCCTGTTCTTCGAAGAACAAGCCCA-3'
Protein context (NP_001018494.1, residues 686-706): GSALGGFGTA[Val696Ala]ANSNTGSGSR